The following is an entry in ClinVar:

ClinVar aggregate classification (germline): Uncertain significance (1 of 4 stars; one submission).

Submission:

Medical Genetic Center, Changzhi Maternal and Child Health Care Hospital
Classification: Uncertain significance. Last evaluated: 2025-12-10. Review status: criteria provided, single submitter. Criteria: ACMG/ClinGen CNV Guidelines, 2019. Collection method: clinical testing. Allele origin: unknown.
Comment: 16p13.11 recurrent region (BP2-BP3) (includes MYH11) (TS=2)

GRCh38/hg38 16p13.11(chr16:14964966-16426606)x3

Genes: ABCC1 (ATP binding cassette subfamily C member 1 (ABCC1 blood group); plus strand), ABCC6 (ATP binding cassette subfamily C member 6; minus strand), BMERB1 (bMERB domain containing 1; plus strand), CEP20 (centrosomal protein 20; minus strand), MARF1 (meiosis regulator and mRNA stability factor 1; minus strand) and 43 more. Cytogenetic location: 16p13.11.
Variant type: copy number gain.
Change: copy number 3 (three copies instead of two) of chr16:14,964,966-16,426,606 (1.46 Mb, GRCh38 coordinates, 1-based), cytogenetic band 16p13.11.
Identifiers: ClinVar variation 4796299 (VCV004796299.1).